The following is an entry in ClinVar:

ClinVar aggregate classification (germline): Likely pathogenic (0 of 4 stars; one submission).

Conditions:
Intellectual disability, Neurodevelopmental defects and Developmental delay with 46,XY gonadal dysgenesis.

Allele frequency attached by ClinVar (database versions not stated): gnomAD exomes below 0.00001; ExAC 0.00001; TOPMed 0.00001.

Submission:

Reproductive Development, Murdoch Childrens Research Institute
Classification: Likely pathogenic for Intellectual disability, Neurodevelopmental defects and Developmental delay with 46,XY gonadal dysgenesis. Last evaluated: 2023-03-06. Review status: no assertion criteria provided. Collection method: research. Allele origin: maternal. Inheritance: Autosomal recessive inheritance. Affected: yes. Observed: 1 variant allele.
Comment: It was identified as part of a larger study that has found biallelic variants in SART3 in nine children from six families with overlapping clinical features. The variant falls in a highly conserved residue within an important HAT protein domain and is predicted to cause a termination in the protein. The variant is extremely rare or absent in population databases.

Literature cited by the submitters: PubMed 37296101.

NM_014706.4(SART3):c.757C>T (p.Arg253Ter)

Gene: SART3 (spliceosome associated factor 3, U4/U6 recycling protein; minus strand). Cytogenetic location: 12q23.3.
Variant type: single nucleotide variant.
Coding change: c.757C>T on transcript NM_014706.4 (MANE Select); coding-DNA position 757, C replaced by T.
Protein change: p.Arg253Ter; replaces arginine 253 with a stop codon.
Molecular consequence: nonsense.
Genome position (GRCh38, 1-based): chr12:108,544,451, G>A on the plus strand (C>T on the coding strand, the complement: SART3 is on the minus strand). VCF-style: chr12-108544451-G-A. GRCh37 (hg19) VCF-style: chr12-108938227-G-A.
Other names: c.811C>T, p.Arg271Ter (NM_001410983.1); short protein forms R253*, R271*.
Identifiers: ClinVar variation 2444508 (VCV002444508.1), dbSNP rs759058288, ClinGen allele CA6768353.
Genomic context (GRCh38, chr12:108,544,451, plus strand): 5'-TAGAGGGCTGGCTGTTGACATGTCAGTTTCTCTTACCATAGAGTGGGATCGCCAACTGTC[G>A]CCGGAAAAGACTGTGGACTTTCTCAAGCTGTGAATCAAAGGTTTGTTCCCGGTCAAAAGG-3'